The following is an entry in ClinVar:

ClinVar aggregate classification (germline): Uncertain significance (1 of 4 stars; one submission).

Conditions:
Vici syndrome (VICIS). Identifiers: Orphanet 1493, MedGen C1855772, MONDO:0009452, OMIM 242840.

gnomAD v4.1: 3 of 1,614,218 alleles (0.00019%); highest among the groups gnomAD compares: South Asian, 0.0011%; no homozygotes.

Submission:

Labcorp Genetics (formerly Invitae), Labcorp
Classification: Uncertain significance for Vici syndrome. Last evaluated: 2025-04-30. Review status: criteria provided, single submitter. Criteria: Invitae Variant Classification Sherloc (09022015). Collection method: clinical testing. Allele origin: germline.
Comment: This sequence change replaces methionine, which is neutral and non-polar, with valine, which is neutral and non-polar, at codon 2300 of the EPG5 protein (p.Met2300Val). This variant is present in population databases (no rsID available, gnomAD 0.003%). This variant has not been reported in the literature in individuals affected with EPG5-related conditions. Invitae Evidence Modeling of protein sequence and biophysical properties (such as structural, functional, and spatial information, amino acid conservation, physicochemical variation, residue mobility, and thermodynamic stability) indicates that this missense variant is not expected to disrupt EPG5 protein function with a negative predictive value of 80%. In summary, the available evidence is currently insufficient to determine the role of this variant in disease. Therefore, it has been classified as a Variant of Uncertain Significance.

NM_020964.3(EPG5):c.6898A>G (p.Met2300Val)

Gene: EPG5 (ectopic P-granules 5 autophagy tethering factor; minus strand). Cytogenetic location: 18q12.3.
Variant type: single nucleotide variant.
Coding change: c.6898A>G on transcript NM_020964.3 (MANE Select); coding-DNA position 6898, A replaced by G.
Protein change: p.Met2300Val; replaces methionine 2300 with valine.
Molecular consequence: missense variant.
Genome position (GRCh38, 1-based): chr18:45,860,215, T>C on the plus strand (A>G on the coding strand, the complement: EPG5 is on the minus strand). VCF-style: chr18-45860215-T-C. GRCh37 (hg19) VCF-style: chr18-43440180-T-C.
Other names: c.6898A>G, p.Met2300Val (NM_001410858.1); c.6895A>G, p.Met2299Val (NM_001410859.1); short protein forms M2300V, M2299V.
Identifiers: ClinVar variation 4766603 (VCV004766603.1).